The following continues an entry in ClinVar:

NM_001927.4(DES):c.1048C>T (p.Arg350Trp)

Gene: DES. ClinVar aggregate classification (germline): Conflicting classifications of pathogenicity. Pathogenic (1); Likely pathogenic (4); Uncertain significance (5).

Submissions 6 to 13 of 13:

Molecular Genetics, Royal Melbourne Hospital
Classification: Likely pathogenic for Primary dilated cardiomyopathy. Last evaluated: 2024-02-05. Review status: criteria provided, single submitter. Criteria: ACMG Guidelines, 2015. Collection method: clinical testing. Allele origin: germline. Inheritance: Autosomal dominant inheritance. Affected: yes.
Comment: This sequence change in DES is predicted to replace arginine with tryptophan at codon 350, p.(Arg350Trp). The arginine residue is highly conserved (100 vertebrates, UCSC), and is located in the intermediate filament (IF) rod domain. There is a large physicochemical difference between arginine and tryptophan. The highest population minor allele frequency in the population database gnomAD v4.0 is 0.002% (25/1,180,008 alleles) in the European (non-Finnish) population, which is consistent with dilated cardiomyopathy. This variant has been reported in at least seven unrelated individuals with dilated cardiomyopathy (PMID: 17325244, 28416588, 29386531, 31983221, 33823640; ClinVar: SCV000206887.1, SCV001203482.4). An in vitro functional assay with limited validation in neonatal rat myocytes showed that the formation of desmin filaments was affected in the presence of the variant indicating that it impacts protein function (PMID: 17325244). Computational evidence predicts a deleterious effect for the missense substitution (REVEL =0.853). Another missense variant c.1049G>C, p.(Arg350Pro) in the same codon has been classified as pathogenic for DES-related myofibrillar myopathy (ClinVar ID: 16835; PMID: 25394388, 15800015). Based on the classification scheme RMH Modified ACMG/AMP Guidelines v1.6.1, this variant is classified as LIKELY PATHOGENIC. Following criteria are met: PM2_Supporting, PM5, PP3, PS3_Supporting, PS4_Moderate

CHEO Genetics Diagnostic Laboratory, Children's Hospital of Eastern Ontario
Classification: Uncertain significance for Cardiomyopathy. Last evaluated: 2023-05-09. Review status: criteria provided, single submitter. Criteria: ACMG Guidelines, 2015. Collection method: clinical testing. Allele origin: germline.

Blueprint Genetics
Classification: Uncertain significance. Last evaluated: 2023-04-11. Review status: criteria provided, single submitter. Criteria: ACMG Guidelines, 2015. Collection method: clinical testing. Allele origin: germline.

Revvity Omics, Revvity
Classification: Uncertain significance. Last evaluated: 2020-11-04. Review status: criteria provided, single submitter. Criteria: ACMG Guidelines, 2015. Collection method: clinical testing. Allele origin: germline.

Laboratory for Molecular Medicine, Mass General Brigham Personalized Medicine
Classification: Uncertain significance. Last evaluated: 2012-09-05. Review status: criteria provided, single submitter. Criteria: LMM Criteria. Collection method: clinical testing. Allele origin: germline. Observed: 1 variant allele.
Comment: Variant classified as Uncertain Significance - Favor Pathogenic. This variant has also been identified in 1/8600 European American chromosomes f rom a broad population by the NHLBI Exome Sequencing Project (dbSNP rs62636492). This could represent a presymptomatic individ ual and the overall low population frequency supports pathogenicity. In vitro st udies showed disruption of the desmin filament assembly, although in vitro assay s do not always accurately reflect biological function (Taylor 2007). Arginine ( Arg) at position 350 is highly conserved evolution and computational analyses (b iochemical amino acid properties, AlignGVGD, PolyPhen2, and SIFT) suggest that t his variant may impact the protein (the accuracy of these tools is unknown). Fin ally, another variant at this position (Arg350Pro) has been reported as a pathog enic variant in individuals with conduction system disease, and cardiac and skel etal myopathy (Bar 2005, Walter 2007, Levin 2010). In summary, the available dat a supports that the Arg350Trp variant may be pathogenic, though additional studi es are needed to fully assess its clinical significance.

PreventionGenetics, part of Exact Sciences
Classification: Uncertain significance for DES-related condition. Last evaluated: 2024-01-24. Review status: no assertion criteria provided. Collection method: clinical testing. Allele origin: germline. Not counted in ClinVar's aggregate classification.
Comment: The DES c.1048C>T variant is predicted to result in the amino acid substitution p.Arg350Trp. This variant was reported in individuals with dilated cardiomyopathy, hypertrophic cardiomyopathy, left ventricular noncompaction, or sudden unexplained deaths (Taylor et al. 2007. PubMed ID: 17325244; Table S3, Lin et al. 2017. PubMed ID: 29247119; Online Table 1, Gigli et al. 2019. PubMed ID: 31514951; Table S1, Hoss et al. 2020. PubMed ID: 32150461; Table S2, Mazzarotto et al. 2021. PubMed ID: 33500567). Functional studies suggested that this variant could disrupt the intracytoplasmic localization (Taylor et al. 2007. PubMed ID: 17325244). However, this variant was also documented in the general population (Andreasen et al. 2013. PubMed ID: 23299917; Table S1, Nouhravesh et al. 2016. PubMed ID: 27896284). This variant is reported in 0.0062% of alleles in individuals of African descent in gnomAD and has conflicting interpretations of pathogenicity in ClinVar ranging from uncertain significance to pathogenic. A different nucleotide substitution affecting the same amino acid (p.Arg350Pro) has been reported to be causative for DES-associated disorders (Bar et al. 2005. PubMed ID: 15800015; Walter et al. 2007. PubMed ID: 17439987). Although we suspect that the c.1048C>T (p.Arg350Trp) variant may be pathogenic, at this time, the clinical significance of this variant is uncertain due to the absence of conclusive functional and genetic evidence.

OMIM
Classification: Pathogenic for CARDIOMYOPATHY, DILATED, 1I. Last evaluated: 2007-03-13. Review status: no assertion criteria provided. Collection method: literature only. Allele origin: germline. Not counted in ClinVar's aggregate classification.

Epithelial Biology;  Institute of Medical Biology, Singapore
No classification provided. Review status: no classification provided. Collection method: not provided. Allele origin: not provided. Not counted in ClinVar's aggregate classification.

Literature cited by the submitters: PubMed 17325244 (cited by 7 submitters); PubMed 29386531 (cited by 5 submitters); PubMed 31983221 (cited by 3 submitters); PubMed 32150461 (cited by Ambry Genetics); PubMed 33500567 (cited by Ambry Genetics); PubMed 39973468 (cited by Ambry Genetics and Women's Health and Genetics/Laboratory Corporation of America, LabCorp); PubMed 29247119 (cited by 3 submitters); PubMed 15800015 (cited by 3 submitters); PubMed 17439987 (cited by Labcorp Genetics (formerly Invitae), Labcorp and Laboratory for Molecular Medicine, Mass General Brigham Personalized Medicine); PubMed 20448486 (cited by Labcorp Genetics (formerly Invitae), Labcorp and Laboratory for Molecular Medicine, Mass General Brigham Personalized Medicine); PubMed 25394388 (cited by Labcorp Genetics (formerly Invitae), Labcorp and Molecular Genetics, Royal Melbourne Hospital); PubMed 27393313 (cited by Labcorp Genetics (formerly Invitae), Labcorp); PubMed 31514951 (cited by Women's Health and Genetics/Laboratory Corporation of America, LabCorp); PubMed 36396199 (cited by Women's Health and Genetics/Laboratory Corporation of America, LabCorp); PubMed 28416588 (cited by Victorian Clinical Genetics Services, Murdoch Childrens Research Institute and Molecular Genetics, Royal Melbourne Hospital); PubMed 29926427 (cited by Victorian Clinical Genetics Services, Murdoch Childrens Research Institute); PubMed 33373648 (cited by Victorian Clinical Genetics Services, Murdoch Childrens Research Institute); PubMed 33823640 (cited by Molecular Genetics, Royal Melbourne Hospital).